The following is an entry in ClinVar:

NM_001184.4(ATR):c.3459C>G (p.Asn1153Lys)

Gene: ATR (ATR checkpoint kinase; minus strand). Cytogenetic location: 3q23.
Variant type: single nucleotide variant.
Coding change: c.3459C>G on transcript NM_001184.4 (MANE Select); coding-DNA position 3459, C replaced by G.
Protein change: p.Asn1153Lys; replaces asparagine 1153 with lysine.
Molecular consequence: missense variant.
Genome position (GRCh38, 1-based): chr3:142,541,026, G>C on the plus strand (C>G on the coding strand, the complement: ATR is on the minus strand). VCF-style: chr3-142541026-G-C. GRCh37 (hg19) VCF-style: chr3-142259868-G-C.
Other names: c.3267C>G, p.Asn1089Lys (NM_001354579.2); short protein forms N1089K, N1153K.
Identifiers: ClinVar variation 1731606 (VCV001731606.2), dbSNP rs2473328641, ClinGen allele CA354807996.

ClinVar aggregate classification (germline): Uncertain significance (1 of 4 stars; one submission).

Conditions:
Inborn genetic diseases. Identifiers: MedGen C0950123, MeSH D030342.

Submission:

Ambry Genetics
Classification: Uncertain significance for Inborn genetic diseases. Last evaluated: 2022-06-13. Review status: criteria provided, single submitter. Criteria: Ambry Variant Classification Scheme 2023. Collection method: clinical testing. Allele origin: germline.
Comment: The p.N1153K variant (also known as c.3459C>G), located in coding exon 18 of the ATR gene, results from a C to G substitution at nucleotide position 3459. The asparagine at codon 1153 is replaced by lysine, an amino acid with similar properties. This amino acid position is conserved. In addition, this alteration is predicted to be tolerated by in silico analysis. Since supporting evidence is limited at this time, the clinical significance of this alteration remains unclear.